The following is an entry in ClinVar:

ClinVar aggregate classification (germline): Uncertain significance (1 of 4 stars; one submission).

Conditions:
Myoclonic dystonia 11 (DYT11). Also called: Myoclonic dystonia; Dystonia 11; Dystonia, alcohol responsive; Hereditary essential myoclonus; SGCE Myoclonus-Dystonia; Myoclonus-Dystonia. Identifiers: Orphanet 36899, MedGen C1834570, MONDO:0008044, OMIM 159900.

Allele frequency attached by ClinVar (database versions not stated): gnomAD exomes below 0.00001 and 0.00001; ExAC 0.00001; gnomAD 0.00002; TOPMed 0.00002.
gnomAD v4.1: 15 of 1,600,992 alleles (0.00094%); highest among the groups gnomAD compares: Non-Finnish European, 0.0013%; no homozygotes.

Submission:

Labcorp Genetics (formerly Invitae), Labcorp
Classification: Uncertain significance for Myoclonic dystonia 11. Last evaluated: 2024-10-15. Review status: criteria provided, single submitter. Criteria: Invitae Variant Classification Sherloc (09022015). Collection method: clinical testing. Allele origin: germline.
Comment: This sequence change replaces glutamine, which is neutral and polar, with proline, which is neutral and non-polar, at codon 2 of the SGCE protein (p.Gln2Pro). This variant is present in population databases (rs755191122, gnomAD 0.003%). This variant has not been reported in the literature in individuals affected with SGCE-related conditions. ClinVar contains an entry for this variant (Variation ID: 566714). An algorithm developed to predict the effect of missense changes on protein structure and function outputs the following: PolyPhen-2: "Benign". The proline amino acid residue is found in multiple mammalian species, which suggests that this missense change does not adversely affect protein function. In summary, the available evidence is currently insufficient to determine the role of this variant in disease. Therefore, it has been classified as a Variant of Uncertain Significance.

NM_003919.3(SGCE):c.5A>C (p.Gln2Pro)

Gene: SGCE (sarcoglycan epsilon; minus strand). Cytogenetic location: 7q21.3.
Variant type: single nucleotide variant.
Coding change: c.5A>C on transcript NM_003919.3 (MANE Select); coding-DNA position 5, A replaced by C.
Protein change: p.Gln2Pro; replaces glutamine 2 with proline.
Molecular consequence: missense variant. On other transcripts: 5 prime UTR variant (4).
Genome position (GRCh38, 1-based): chr7:94,656,094, T>G on the plus strand (A>C on the coding strand, the complement: SGCE is on the minus strand). VCF-style: chr7-94656094-T-G. GRCh37 (hg19) VCF-style: chr7-94285406-T-G.
Other names: c.5A>C, p.Gln2Pro (NM_001099400.2, NM_001099401.2, NM_001301139.2 and 4 more transcripts); c.-253A>C (NM_001346719.2); c.-331A>C (NM_001346720.2, NM_001362808.2); c.-259A>C (NM_001362807.2); short protein forms Q2P.
Identifiers: ClinVar variation 566714 (VCV000566714.10), dbSNP rs755191122, ClinGen allele CA4348935.
Genomic context (GRCh38, chr7:94,656,094, plus strand): 5'-GTCCCCCGACCCTGTCCCGTCCAAGCACAGGGGTCTCCCAGCTCCCACCACCGGGGCAAT[T>G]GCATTCTTGGCCTGGCTAGGCCGTCCGTCCTCGATTCTCCCCTCCCCTCCCTTTCTTCTT-3'
Protein context (NP_003910.1, residues 1-12): M[Gln2Pro]LPRWWELGDP